The following is an entry in ClinVar:

NM_024426.6(WT1):c.35C>T (p.Thr12Met)

Genes: WT1 (WT1 transcription factor; minus strand), LOC107982234 (WT1/WT1-AS bi-directional promoter region; plus strand). Cytogenetic location: 11p13.
Variant type: single nucleotide variant.
Coding change: c.35C>T on transcript NM_024426.6 (MANE Select); coding-DNA position 35, C replaced by T.
Protein change: p.Thr12Met; replaces threonine 12 with methionine.
Molecular consequence: missense variant. On other transcripts: non-coding transcript variant (1).
Genome position (GRCh38, 1-based): chr11:32,435,326, G>A on the plus strand (C>T on the coding strand, the complement: WT1 is on the minus strand). VCF-style: chr11-32435326-G-A. GRCh37 (hg19) VCF-style: chr11-32456872-G-A.
Other names: c.35C>T, p.Thr12Met (NM_000378.6, NM_024424.5); c.20C>T (NM_024426.4); short protein forms T12M.
Identifiers: ClinVar variation 1522020 (VCV001522020.9), dbSNP rs2133107793, ClinGen allele CA379966524.

ClinVar aggregate classification (germline): Uncertain significance. Review status: criteria provided, multiple submitters, no conflicts (2 of 4 stars). 2 submissions from 2 submitters: Uncertain significance (2). Last evaluated 2026-07-06.

Conditions:
Drash syndrome (DDS). Also called: NEPHROPATHY, WILMS TUMOR, AND GENITAL ANOMALIES; WILMS TUMOR AND PSEUDO- OR TRUE HERMAPHRODITISM. Identifiers: Orphanet 220, MedGen C0950121, MONDO:0008682, OMIM 194080.
Frasier syndrome. Identifiers: Orphanet 347, MedGen C0950122, MeSH D052159, MONDO:0007635, OMIM 136680.
Wilms tumor 1 (WT1). Also called: Wilms tumor, somatic. Identifiers: Orphanet 654, MedGen CN033288, MONDO:0008679, OMIM 194070.
11p partial monosomy syndrome (WAGR). Also called: CHROMOSOME 11p13 DELETION SYNDROME; WAGR syndrome; WAGR Spectrum Disorder; WAGR Complex. Identifiers: Orphanet 893, MedGen C0206115, MONDO:0008681, OMIM 194072.
Inborn genetic diseases. Identifiers: MedGen C0950123, MeSH D030342.

Submissions (2):

Ambry Genetics
Classification: Uncertain significance for Inborn genetic diseases. Last evaluated: 2026-07-06. Review status: criteria provided, single submitter. Criteria: Ambry Variant Classification Scheme 2023. Collection method: clinical testing. Allele origin: germline.
Comment: The p.T7M variant (also known as c.20C>T), located in coding exon 1 of the WT1 gene, results from a C to T substitution at nucleotide position 20. The threonine at codon 7 is replaced by methionine, an amino acid with similar properties. This amino acid position is conserved. In addition, this alteration is predicted to be tolerated by in silico analysis. Based on the available evidence, the clinical significance of this variant remains unclear.

Labcorp Genetics (formerly Invitae), Labcorp
Classification: Uncertain significance for Wilms tumor 1; Drash syndrome; 11p partial monosomy syndrome; Frasier syndrome. Last evaluated: 2023-07-15. Review status: criteria provided, single submitter. Criteria: Invitae Variant Classification Sherloc (09022015). Collection method: clinical testing. Allele origin: germline.
Comment: ClinVar contains an entry for this variant (Variation ID: 1522020). An algorithm developed to predict the effect of missense changes on protein structure and function (PolyPhen-2) suggests that this variant is likely to be tolerated. In summary, the available evidence is currently insufficient to determine the role of this variant in disease. Therefore, it has been classified as a Variant of Uncertain Significance. This sequence change replaces threonine, which is neutral and polar, with methionine, which is neutral and non-polar, at codon 7 of the WT1 protein (p.Thr7Met). This variant is not present in population databases (gnomAD no frequency). This variant has not been reported in the literature in individuals affected with WT1-related conditions.